The following is an entry in ClinVar:

NM_000410.4(HFE):c.157G>A (p.Val53Met)

Genes: HFE (homeostatic iron regulator; plus strand), HFE-AS1 (HFE antisense RNA 1; minus strand). Cytogenetic location: 6p22.2.
Variant type: single nucleotide variant.
Coding change: c.157G>A on transcript NM_000410.4 (MANE Select); coding-DNA position 157, G replaced by A.
Protein change: p.Val53Met; replaces valine 53 with methionine.
Molecular consequence: missense variant. On other transcripts: non-coding transcript variant (1), intron variant (4).
Genome position (GRCh38, 1-based): chr6:26,090,921, G>A. VCF-style: chr6-26090921-G-A. GRCh37 (hg19) VCF-style: chr6-26091149-G-A.
Other names: c.157G>A, p.Val53Met (NM_001300749.3, NM_001384164.1, NM_001406751.1 and 3 more transcripts); c.88G>A, p.Val30Met (NM_139009.3); c.77-393G>A (NM_139007.3, NM_139008.3); c.77-1764G>A (NM_139010.3); c.77-2198G>A (NM_139011.3); short protein forms V53M, V30M.
Identifiers: ClinVar variation 15 (VCV000000015.5), dbSNP rs28934889, ClinGen allele CA113801.

ClinVar aggregate classification (germline): Uncertain significance. Review status: criteria provided, multiple submitters, no conflicts (2 of 4 stars). 3 submissions from 3 submitters: Uncertain significance (2). 1 of the submissions does not count toward it. Last evaluated 2024-10-08.

Conditions:
Hemochromatosis type 1 (HFE1). Also called: HFE-Associated Hereditary Hemochromatosis; HFE-Related Hemochromatosis. Identifiers: Orphanet 465508, MedGen C3469186, MONDO:0021001, OMIM 235200. Disease mechanism: loss of function.
HFE POLYMORPHISM.

Allele frequency attached by ClinVar (database versions not stated): 1000 Genomes Project 0.00020; gnomAD exomes 0.00006 and 0.00003; gnomAD 0.00021 and 0.00022; TOPMed 0.00033; ExAC 0.00006; 1000 Genomes Project 30x 0.00016.
gnomAD v4.1: 78 of 1,614,172 alleles (0.0048%); highest among the groups gnomAD compares: African/African-American, 0.067%; no homozygotes.

Submissions (3):

GeneDx
Classification: Uncertain significance. Last evaluated: 2024-10-08. Review status: criteria provided, single submitter. Criteria: GeneDx Variant Classification Process June 2021. Collection method: clinical testing. Allele origin: germline. Affected: yes.
Comment: Identified in one individual referred to confirm or exclude a diagnosis of HH; no clinical information was provided (PMID: 15025725); In silico analysis supports that this missense variant has a deleterious effect on protein structure/function; This variant is associated with the following publications: (PMID: 10401000, 15025725)

Baylor Genetics
Classification: Uncertain significance for Hemochromatosis type 1. Last evaluated: 2018-07-16. Review status: criteria provided, single submitter. Criteria: ACMG Guidelines, 2015. Collection method: clinical testing. Allele origin: paternal. Affected: yes.
Comment: This variant was determined to be of uncertain significance according to ACMG Guidelines, 2015 [PMID:25741868].

OMIM
Classification: Benign for HFE POLYMORPHISM. Last evaluated: 1999-08-01. Review status: no assertion criteria provided. Collection method: literature only. Allele origin: germline. Not counted in ClinVar's aggregate classification.

Literature cited by the submitters: PubMed 10401000 (cited by OMIM).